The following is an entry in ClinVar:

NM_001854.4(COL11A1):c.4677A>G (p.Glu1559=)

Gene: COL11A1 (collagen type XI alpha 1 chain; minus strand). Cytogenetic location: 1p21.1.
Variant type: single nucleotide variant.
Coding change: c.4677A>G on transcript NM_001854.4 (MANE Select); coding-DNA position 4677, A replaced by G.
Protein change: p.Glu1559=; no amino-acid change (glutamic acid 1559 retained).
Molecular consequence: synonymous variant. On other transcripts: non-coding transcript variant (1).
Genome position (GRCh38, 1-based): chr1:102,886,988, T>C on the plus strand (A>G on the coding strand, the complement: COL11A1 is on the minus strand). VCF-style: chr1-102886988-T-C. GRCh37 (hg19) VCF-style: chr1-103352544-T-C.
Other names: c.4560A>G, p.Glu1520= (NM_001190709.2); c.4713A>G, p.Glu1571= (NM_080629.3); c.4329A>G, p.Glu1443= (NM_080630.4).
Identifiers: ClinVar variation 1186423 (VCV001186423.22), dbSNP rs202048103, ClinGen allele CA973437.

ClinVar aggregate classification (germline): Benign/Likely benign. Review status: criteria provided, multiple submitters, no conflicts (2 of 4 stars). 5 submissions from 5 submitters: Benign (1); Likely benign (3). 1 of the submissions does not count toward it. Last evaluated 2025-10-08.

Conditions:
COL11A1-related disorder. Also called: COL11A1-related condition; COL11A1-related disorders.

Allele frequency attached by ClinVar (database versions not stated): ExAC 0.00001; gnomAD 0.00001; TOPMed 0.00001; gnomAD exomes 0.00002 and 0.00003.
gnomAD v4.1: 47 of 1,613,820 alleles (0.0029%); highest among the groups gnomAD compares: Middle Eastern, 0.016%; no homozygotes.

Submissions (5):

Labcorp Genetics (formerly Invitae), Labcorp
Classification: Benign. Last evaluated: 2025-10-08. Review status: criteria provided, single submitter. Criteria: Invitae Variant Classification Sherloc (09022015). Collection method: clinical testing. Allele origin: germline.

CeGaT Center for Human Genetics Tuebingen
Classification: Likely benign. Last evaluated: 2024-09-01. Review status: criteria provided, single submitter. Criteria: CeGaT Center For Human Genetics Tuebingen Variant Classification Criteria Version 2. Collection method: clinical testing. Allele origin: germline. Affected: yes. Observed: 1 variant allele.
Comment: COL11A1: BP4, BP7

Blueprint Genetics
Classification: Likely benign. Last evaluated: 2024-05-27. Review status: criteria provided, single submitter. Criteria: ACMG Guidelines, 2015. Collection method: clinical testing. Allele origin: germline.

GeneDx
Classification: Likely benign. Last evaluated: 2020-02-21. Review status: criteria provided, single submitter. Criteria: GeneDx Variant Classification Process June 2021. Collection method: clinical testing. Allele origin: germline. Affected: yes.

PreventionGenetics, part of Exact Sciences
Classification: Likely benign for COL11A1-related condition. Last evaluated: 2020-02-19. Review status: no assertion criteria provided. Collection method: clinical testing. Allele origin: germline. Not counted in ClinVar's aggregate classification.
Comment: This variant is classified as likely benign based on ACMG/AMP sequence variant interpretation guidelines (Richards et al. 2015 PMID: 25741868, with internal and published modifications).